The following is an entry in ClinVar:

NM_015046.7(SETX):c.1397T>G (p.Ile466Ser)

Gene: SETX (senataxin; minus strand). Cytogenetic location: 9q34.13.
Variant type: single nucleotide variant.
Coding change: c.1397T>G on transcript NM_015046.7 (MANE Select); coding-DNA position 1397, T replaced by G.
Protein change: p.Ile466Ser; replaces isoleucine 466 with serine.
Molecular consequence: missense variant.
Genome position (GRCh38, 1-based): chr9:132,330,201, A>C on the plus strand (T>G on the coding strand, the complement: SETX is on the minus strand). VCF-style: chr9-132330201-A-C. GRCh37 (hg19) VCF-style: chr9-135205588-A-C.
Other names: c.1397T>G, p.Ile466Ser (NM_001351527.2, NM_001351528.2); short protein forms I466S.
Identifiers: ClinVar variation 1525442 (VCV001525442.6), dbSNP rs2131461800, ClinGen allele CA375343863.

ClinVar aggregate classification (germline): Uncertain significance (1 of 4 stars; one submission).

Conditions:
Amyotrophic lateral sclerosis type 4 (ALS4). Also called: NEURONOPATHY, DISTAL HEREDITARY MOTOR, WITH PYRAMIDAL FEATURES; AMYOTROPHIC LATERAL SCLEROSIS 4, JUVENILE. Identifiers: Orphanet 357043, MedGen C1865409, MONDO:0011223, OMIM 602433.
Spinocerebellar ataxia, autosomal recessive, with axonal neuropathy 2 (SCAN2). Also called: ATAXIA-OCULOMOTOR APRAXIA 2; Ataxia with Oculomotor Apraxia; Ataxia with Oculomotor Apraxia Type 2; Ataxia-ocular apraxia-2. Identifiers: Orphanet 64753, MedGen C1853761, MONDO:0018996, OMIM 606002.

Submission:

Labcorp Genetics (formerly Invitae), Labcorp
Classification: Uncertain significance for Amyotrophic lateral sclerosis type 4; Spinocerebellar ataxia, autosomal recessive, with axonal neuropathy 2. Last evaluated: 2021-10-19. Review status: criteria provided, single submitter. Criteria: Invitae Variant Classification Sherloc (09022015). Collection method: clinical testing. Allele origin: germline.
Comment: This sequence change replaces isoleucine with serine at codon 466 of the SETX protein (p.Ile466Ser). The isoleucine residue is moderately conserved and there is a large physicochemical difference between isoleucine and serine. This variant is not present in population databases (ExAC no frequency). In summary, the available evidence is currently insufficient to determine the role of this variant in disease. Therefore, it has been classified as a Variant of Uncertain Significance. Advanced modeling of protein sequence and biophysical properties (such as structural, functional, and spatial information, amino acid conservation, physicochemical variation, residue mobility, and thermodynamic stability) performed at Invitae indicates that this missense variant is expected to disrupt SETX protein function. This variant has not been reported in the literature in individuals affected with SETX-related conditions.